The following is an entry in ClinVar:

NM_021939.4(FKBP10):c.766G>A (p.Val256Ile)

Gene: FKBP10 (FKBP prolyl isomerase 10; plus strand). Cytogenetic location: 17q21.2.
Variant type: single nucleotide variant.
Coding change: c.766G>A on transcript NM_021939.4 (MANE Select); coding-DNA position 766, G replaced by A.
Protein change: p.Val256Ile; replaces valine 256 with isoleucine.
Molecular consequence: missense variant.
Genome position (GRCh38, 1-based): chr17:41,819,248, G>A. VCF-style: chr17-41819248-G-A. GRCh37 (hg19) VCF-style: chr17-39975500-G-A.
Other names: short protein forms V256I.
Identifiers: ClinVar variation 2144788 (VCV002144788.2), dbSNP rs782380098, ClinGen allele CA8566358.

ClinVar aggregate classification (germline): Conflicting classifications of pathogenicity. Review status: criteria provided, conflicting classifications (1 of 4 stars). 2 submissions from 2 submitters: Uncertain significance (1); Likely benign (1). Last evaluated 2026-04-15.

Conditions:
Inborn genetic diseases. Identifiers: MedGen C0950123, MeSH D030342.

Allele frequency attached by ClinVar (database versions not stated): TOPMed 0.00002; gnomAD 0.00001.
gnomAD v4.1: 17 of 1,613,960 alleles (0.0011%); highest among the groups gnomAD compares: Admixed American, 0.005%; no homozygotes.

Submissions (2):

Ambry Genetics
Classification: Likely benign for Inborn genetic diseases. Last evaluated: 2026-04-15. Review status: criteria provided, single submitter. Criteria: Ambry Variant Classification Scheme 2023. Collection method: clinical testing. Allele origin: germline.

Labcorp Genetics (formerly Invitae), Labcorp
Classification: Uncertain significance. Last evaluated: 2022-05-27. Review status: criteria provided, single submitter. Criteria: Invitae Variant Classification Sherloc (09022015). Collection method: clinical testing. Allele origin: germline.
Comment: This sequence change replaces valine, which is neutral and non-polar, with isoleucine, which is neutral and non-polar, at codon 256 of the FKBP10 protein (p.Val256Ile). This variant is present in population databases (rs782380098, gnomAD 0.009%). This variant has not been reported in the literature in individuals affected with FKBP10-related conditions. Algorithms developed to predict the effect of missense changes on protein structure and function output the following: SIFT: "Tolerated"; PolyPhen-2: "Benign"; Align-GVGD: "Class C0". The isoleucine amino acid residue is found in multiple mammalian species, which suggests that this missense change does not adversely affect protein function. In summary, the available evidence is currently insufficient to determine the role of this variant in disease. Therefore, it has been classified as a Variant of Uncertain Significance.